The following is an entry in ClinVar:

NM_032043.3(BRIP1):c.2053C>T (p.Gln685Ter)

Gene: BRIP1 (BRCA1 interacting DNA helicase 1; minus strand). Cytogenetic location: 17q23.2.
Variant type: single nucleotide variant.
Coding change: c.2053C>T on transcript NM_032043.3 (MANE Select); coding-DNA position 2053, C replaced by T.
Protein change: p.Gln685Ter; replaces glutamine 685 with a stop codon.
Molecular consequence: nonsense.
Genome position (GRCh38, 1-based): chr17:61,776,445, G>A on the plus strand (C>T on the coding strand, the complement: BRIP1 is on the minus strand). VCF-style: chr17-61776445-G-A. GRCh37 (hg19) VCF-style: chr17-59853806-G-A.
Other names: short protein forms Q685*.
Identifiers: ClinVar variation 232067 (VCV000232067.16), dbSNP rs876659533, ClinGen allele CA10580817.

ClinVar aggregate classification (germline): Pathogenic. Review status: criteria provided, multiple submitters, no conflicts (2 of 4 stars). 5 submissions from 5 submitters: Pathogenic (4). 1 of the submissions does not count toward it. Last evaluated 2024-12-18.

Conditions:
Fanconi anemia complementation group J. Also called: BRIP1-Related Fanconi Anemia. Identifiers: Orphanet 84, MedGen C1836860, MONDO:0012187, OMIM 609054.
Familial cancer of breast. Also called: Hereditary breast cancer; hereditary breast carcinoma; BREAST CANCER, FAMILIAL. Identifiers: Orphanet 227535, MedGen C0346153, MONDO:0016419, OMIM 114480. Disease mechanism: loss of function.
Ovarian cancer. Also called: OVARIAN CANCER, SOMATIC. Identifiers: Orphanet 213500, MedGen C1140680, MONDO:0008170, OMIM 167000.
Hereditary cancer-predisposing syndrome. Also called: Hereditary Cancer Syndrome; Neoplastic Syndromes, Hereditary; Tumor predisposition; Hereditary neoplastic syndrome. Identifiers: Orphanet 140162, MedGen C0027672, MeSH D009386, MONDO:0015356.

Allele frequency attached by ClinVar (database versions not stated): TOPMed 0.00001; gnomAD 0.00002.
gnomAD v4.1: 3 of 1,613,974 alleles (0.00019%); highest among the groups gnomAD compares: Non-Finnish European, 0.00025%; no homozygotes.

Submissions (5):

Labcorp Genetics (formerly Invitae), Labcorp
Classification: Pathogenic for Familial cancer of breast; Fanconi anemia complementation group J. Last evaluated: 2024-12-18. Review status: criteria provided, single submitter. Criteria: Invitae Variant Classification Sherloc (09022015). Collection method: clinical testing. Allele origin: germline.
Comment: This sequence change creates a premature translational stop signal (p.Gln685*) in the BRIP1 gene. It is expected to result in an absent or disrupted protein product. Loss-of-function variants in BRIP1 are known to be pathogenic (PMID: 16116423, 17033622, 21964575). This variant is present in population databases (no rsID available, gnomAD 0.002%). This premature translational stop signal has been observed in individual(s) with ovarian cancer (PMID: 29368626). ClinVar contains an entry for this variant (Variation ID: 232067). For these reasons, this variant has been classified as Pathogenic.

Baylor Genetics
Classification: Pathogenic for Familial cancer of breast. Last evaluated: 2024-03-27. Review status: criteria provided, single submitter. Criteria: ACMG Guidelines, 2015. Collection method: clinical testing. Allele origin: unknown.

Ambry Genetics
Classification: Pathogenic for Hereditary cancer-predisposing syndrome. Last evaluated: 2024-01-22. Review status: criteria provided, single submitter. Criteria: Ambry Variant Classification Scheme 2023. Collection method: clinical testing. Allele origin: germline.
Comment: The p.Q685* pathogenic mutation (also known as c.2053C>T), located in coding exon 13 of the BRIP1 gene, results from a C to T substitution at nucleotide position 2053. This changes the amino acid from a glutamine to a stop codon within coding exon 13. This alteration is expected to result in loss of function by premature protein truncation or nonsense-mediated mRNA decay. As such, this alteration is interpreted as a disease-causing mutation.

Myriad Genetics, Inc.
Classification: Pathogenic for Familial cancer of breast. Last evaluated: 2023-02-27. Review status: criteria provided, single submitter. Criteria: Myriad Autosomal Dominant, Autosomal Recessive and X-Linked Classification Criteria (2023). Collection method: clinical testing. Allele origin: unknown.
Comment: This variant is considered pathogenic. This variant creates a termination codon and is predicted to result in premature protein truncation.

Counsyl
Classification: Likely pathogenic for Fanconi anemia complementation group J; Ovarian cancer. Last evaluated: 2018-02-23. Review status: no assertion criteria provided. Collection method: clinical testing. Allele origin: unknown. Not counted in ClinVar's aggregate classification.

Literature cited by the submitters: PubMed 16116423 (cited by Labcorp Genetics (formerly Invitae), Labcorp); PubMed 17033622 (cited by Labcorp Genetics (formerly Invitae), Labcorp); PubMed 21964575 (cited by Labcorp Genetics (formerly Invitae), Labcorp); PubMed 29368626 (cited by Labcorp Genetics (formerly Invitae), Labcorp and Counsyl).